The following is an entry in ClinVar:

ClinVar aggregate classification (germline): Uncertain significance (1 of 4 stars; one submission).

gnomAD v4.1: 1 of 1,614,064 alleles (0.000062%); highest among the groups gnomAD compares: Non-Finnish European, 0.000085%; no homozygotes.

Submission:

GeneDx
Classification: Uncertain significance. Last evaluated: 2023-01-18. Review status: criteria provided, single submitter. Criteria: GeneDx Variant Classification Process June 2021. Collection method: clinical testing. Allele origin: germline. Affected: yes.
Comment: Not observed at significant frequency in large population cohorts (gnomAD); In silico analysis supports that this missense variant does not alter protein structure/function; Has not been previously published as pathogenic or benign to our knowledge

NM_000827.4(GRIA1):c.2602A>G (p.Ser868Gly)

Gene: GRIA1 (glutamate ionotropic receptor AMPA type subunit 1; plus strand). Cytogenetic location: 5q33.2.
Variant type: single nucleotide variant.
Coding change: c.2602A>G on transcript NM_000827.4 (MANE Select); coding-DNA position 2602, A replaced by G.
Protein change: p.Ser868Gly; replaces serine 868 with glycine.
Molecular consequence: missense variant. On other transcripts: non-coding transcript variant (2).
Genome position (GRCh38, 1-based): chr5:153,811,106, A>G. VCF-style: chr5-153811106-A-G. GRCh37 (hg19) VCF-style: chr5-153190666-A-G.
Other names: c.2602A>G, p.Ser868Gly (NM_001114183.2); c.2362A>G, p.Ser788Gly (NM_001258019.2); c.2317A>G, p.Ser773Gly (NM_001258020.2); c.2632A>G, p.Ser878Gly (NM_001258021.2, NM_001258022.2); c.2395A>G, p.Ser799Gly (NM_001258023.1, NM_001364167.2); c.2434A>G, p.Ser812Gly (NM_001364165.2); c.2629A>G, p.Ser877Gly (NM_001364166.2); short protein forms S773G, S788G, S799G, S812G, S868G, S877G, S878G.
Identifiers: ClinVar variation 2573671 (VCV002573671.1), dbSNP rs2479875555, ClinGen allele CA362002544.
Genomic context (GRCh38, chr5:153,811,106, plus strand): 5'-CAATCCATCAACGAAGCCATACGGACATCGACCCTCCCCCGCAACAGCGGGGCAGGAGCC[A>G]GCAGCGGCGGCAGTGGAGAGAATGGTCGGGTGGTCAGCCATGACTTCCCCAAGTCCATGC-3'
Protein context (NP_000818.2, residues 858-878): TLPRNSGAGA[Ser868Gly]SGGSGENGRV